The following is an entry in ClinVar:

NM_000171.4(GLRA1):c.1163G>C (p.Ser388Thr)

Gene: GLRA1 (glycine receptor alpha 1; minus strand). Cytogenetic location: 5q33.1.
Variant type: single nucleotide variant.
Coding change: c.1163G>C on transcript NM_000171.4 (MANE Select); coding-DNA position 1163, G replaced by C.
Protein change: p.Ser388Thr; replaces serine 388 with threonine.
Molecular consequence: missense variant.
Genome position (GRCh38, 1-based): chr5:151,822,860, C>G on the plus strand (G>C on the coding strand, the complement: GLRA1 is on the minus strand). VCF-style: chr5-151822860-C-G. GRCh37 (hg19) VCF-style: chr5-151202421-C-G.
Other names: c.1187G>C, p.Ser396Thr (NM_001146040.2); c.914G>C, p.Ser305Thr (NM_001292000.2); short protein forms S305T, S388T, S396T.
Identifiers: ClinVar variation 1063606 (VCV001063606.9), dbSNP rs1312246907, ClinGen allele CA361850143.

ClinVar aggregate classification (germline): Uncertain significance (1 of 4 stars; one submission).

Conditions:
Hereditary hyperekplexia. Identifiers: Orphanet 3197, MedGen C4084968, MONDO:0021022.

Submission:

Labcorp Genetics (formerly Invitae), Labcorp
Classification: Uncertain significance for Hereditary hyperekplexia. Last evaluated: 2020-10-16. Review status: criteria provided, single submitter. Criteria: Invitae Variant Classification Sherloc (09022015). Collection method: clinical testing. Allele origin: germline.
Comment: Advanced modeling of protein sequence and biophysical properties (such as structural, functional, and spatial information, amino acid conservation, physicochemical variation, residue mobility, and thermodynamic stability) performed at Invitae indicates that this missense variant is not expected to disrupt GLRA1 protein function. This variant has not been reported in the literature in individuals with GLRA1-related conditions. This variant is not present in population databases (ExAC no frequency). This sequence change replaces serine with threonine at codon 388 of the GLRA1 protein (p.Ser388Thr). The serine residue is weakly conserved and there is a small physicochemical difference between serine and threonine. In summary, the available evidence is currently insufficient to determine the role of this variant in disease. Therefore, it has been classified as a Variant of Uncertain Significance.